The following is an entry in ClinVar:

NM_001163809.2(WDR81):c.487A>G (p.Ser163Gly)

Gene: WDR81 (WD repeat domain 81; plus strand). Cytogenetic location: 17p13.3.
Variant type: single nucleotide variant.
Coding change: c.487A>G on transcript NM_001163809.2 (MANE Select); coding-DNA position 487, A replaced by G.
Protein change: p.Ser163Gly; replaces serine 163 with glycine.
Molecular consequence: missense variant. On other transcripts: intron variant (3).
Genome position (GRCh38, 1-based): chr17:1,725,446, A>G. VCF-style: chr17-1725446-A-G. GRCh37 (hg19) VCF-style: chr17-1628740-A-G.
Other names: c.-123-2544A>G (NM_152348.4); c.59-4934A>G (NM_001163673.2); c.-15+660A>G (NM_001163811.2); short protein forms S163G.
Identifiers: ClinVar variation 1031892 (VCV001031892.1), dbSNP rs1033460417, ClinGen allele CA286868184.

ClinVar aggregate classification (germline): Uncertain significance (1 of 4 stars; one submission).

Conditions:
Hydrocephalus, congenital, 3, with brain anomalies. Also called: HYDROCEPHALUS, NONSYNDROMIC, AUTOSOMAL RECESSIVE 3. Identifiers: MedGen C4747885, MONDO:0054794, OMIM 617967.

Allele frequency attached by ClinVar (database versions not stated): gnomAD exomes 0.00001; TOPMed 0.00015; gnomAD 0.00016 and 0.00019.
gnomAD v4.1: 38 of 1,549,350 alleles (0.0025%); highest among the groups gnomAD compares: African/African-American, 0.052%; no homozygotes.

Submission:

Baylor Genetics
Classification: Uncertain significance for Hydrocephalus, congenital, 3, with brain anomalies. Last evaluated: 2018-09-10. Review status: criteria provided, single submitter. Criteria: ACMG Guidelines, 2015. Collection method: clinical testing. Allele origin: unknown. Affected: yes.
Comment: This variant was determined to be of uncertain significance according to ACMG Guidelines, 2015 [PMID:25741868].